The following is an entry in ClinVar:

ClinVar aggregate classification (germline): Uncertain significance. Review status: criteria provided, multiple submitters, no conflicts (2 of 4 stars). 2 submissions from 2 submitters: Uncertain significance (2). Last evaluated 2025-08-01.

Conditions:
Gorlin syndrome. Also called: Basal cell nevus syndrome; Nevoid Basal Cell Carcinoma Syndrome. Identifiers: Orphanet 377, MedGen C0004779, MONDO:0007187.
Medulloblastoma (MDB). Also called: MEDULLOBLASTOMA PREDISPOSITION SYNDROME; Medulloblastoma, somatic. Identifiers: Orphanet 616, MedGen C0025149, MeSH D008527, MONDO:0007959, OMIM 155255, HP:0002885.
Hereditary cancer-predisposing syndrome. Also called: Hereditary Cancer Syndrome; Neoplastic Syndromes, Hereditary; Tumor predisposition; Hereditary neoplastic syndrome. Identifiers: Orphanet 140162, MedGen C0027672, MeSH D009386, MONDO:0015356.

Submissions (2):

Ambry Genetics
Classification: Uncertain significance for Hereditary cancer-predisposing syndrome. Last evaluated: 2025-08-01. Review status: criteria provided, single submitter. Criteria: Ambry Variant Classification Scheme 2023. Collection method: clinical testing. Allele origin: germline.
Comment: The p.L52H variant (also known as c.155T>A), located in coding exon 1 of the SUFU gene, results from a T to A substitution at nucleotide position 155. The leucine at codon 52 is replaced by histidine, an amino acid with similar properties. This amino acid position is highly conserved in available vertebrate species. In addition, this alteration is predicted to be deleterious by in silico analysis. Based on the available evidence, the clinical significance of this variant remains unclear.

Labcorp Genetics (formerly Invitae), Labcorp
Classification: Uncertain significance for Gorlin syndrome; Medulloblastoma. Last evaluated: 2025-03-17. Review status: criteria provided, single submitter. Criteria: Invitae Variant Classification Sherloc (09022015). Collection method: clinical testing. Allele origin: germline.
Comment: This sequence change replaces leucine, which is neutral and non-polar, with histidine, which is basic and polar, at codon 52 of the SUFU protein (p.Leu52His). This variant is not present in population databases (gnomAD no frequency). This variant has not been reported in the literature in individuals affected with SUFU-related conditions. ClinVar contains an entry for this variant (Variation ID: 1349827). Invitae Evidence Modeling of protein sequence and biophysical properties (such as structural, functional, and spatial information, amino acid conservation, physicochemical variation, residue mobility, and thermodynamic stability) indicates that this missense variant is expected to disrupt SUFU protein function with a positive predictive value of 80%. In summary, the available evidence is currently insufficient to determine the role of this variant in disease. Therefore, it has been classified as a Variant of Uncertain Significance.

NM_016169.4(SUFU):c.155T>A (p.Leu52His)

Gene: SUFU (SUFU negative regulator of hedgehog signaling; plus strand). Cytogenetic location: 10q24.32.
Variant type: single nucleotide variant.
Coding change: c.155T>A on transcript NM_016169.4 (MANE Select); coding-DNA position 155, T replaced by A.
Protein change: p.Leu52His; replaces leucine 52 with histidine.
Molecular consequence: missense variant.
Genome position (GRCh38, 1-based): chr10:102,504,307, T>A. VCF-style: chr10-102504307-T-A. GRCh37 (hg19) VCF-style: chr10-104264064-T-A.
Other names: c.155T>A, p.Leu52His (NM_001178133.2); c.155T>A (NM_016169.3); short protein forms L52H.
Identifiers: ClinVar variation 1349827 (VCV001349827.9), dbSNP rs2135598661, ClinGen allele CA377886683.
Genomic context (GRCh38, chr10:102,504,307, plus strand): 5'-CGGGACTGCACGCCATCTACGGAGAGTGCCGCCGCCTTTACCCTGACCAGCCGAACCCGC[T>A]CCAGGTTACCGCTATCGTCAAGTACTGGTATGCTCTGGGCCGCGGGGAGACGGACAGGCG-3'
Protein context (NP_057253.2, residues 42-62): RRLYPDQPNP[Leu52His]QVTAIVKYWL